The following is an entry in ClinVar:

NM_015978.3(TNNI3K):c.667G>A (p.Gly223Ser)

Genes: FPGT-TNNI3K (FPGT-TNNI3K readthrough; plus strand), TNNI3K (TNNI3 interacting kinase; plus strand). Cytogenetic location: 1p31.1.
Variant type: single nucleotide variant.
Coding change: c.667G>A on transcript NM_015978.3 (MANE Select); coding-DNA position 667, G replaced by A.
Protein change: p.Gly223Ser; replaces glycine 223 with serine.
Molecular consequence: missense variant.
Genome position (GRCh38, 1-based): chr1:74,336,134, G>A. VCF-style: chr1-74336134-G-A. GRCh37 (hg19) VCF-style: chr1-74801818-G-A.
Other names: c.970G>A, p.Gly324Ser (NM_001112808.3, NM_001199327.2); short protein forms G223S, G324S.
Identifiers: ClinVar variation 2788293 (VCV002788293.3), dbSNP rs1443982998, ClinGen allele CA340780649.
Genomic context (GRCh38, chr1:74,336,134, plus strand): 5'-CCCCTCCACCTAGCATCTGCAAAAGGATTCTTGAATATTGCAAAACTCTTGATGGAAGAA[G>A]GCAGCAAAGCAGATGGTAAGATTATATATTTAAAAGACCTTTGCTATCATTTGCTTTATG-3'
Protein context (NP_057062.1, residues 213-233): LNIAKLLMEE[Gly223Ser]SKADVNAQDN

ClinVar aggregate classification (germline): Uncertain significance (1 of 4 stars; one submission).

Allele frequency attached by ClinVar (database versions not stated): gnomAD exomes below 0.00001.
gnomAD v4.1: 1 of 1,602,856 alleles (0.000062%); highest among the groups gnomAD compares: South Asian, 0.0011%; no homozygotes.

Submission:

Labcorp Genetics (formerly Invitae), Labcorp
Classification: Uncertain significance. Last evaluated: 2023-01-15. Review status: criteria provided, single submitter. Criteria: Invitae Variant Classification Sherloc (09022015). Collection method: clinical testing. Allele origin: germline.
Comment: In summary, the available evidence is currently insufficient to determine the role of this variant in disease. Therefore, it has been classified as a Variant of Uncertain Significance. Advanced modeling of protein sequence and biophysical properties (such as structural, functional, and spatial information, amino acid conservation, physicochemical variation, residue mobility, and thermodynamic stability) performed at Invitae indicates that this missense variant is not expected to disrupt TNNI3K protein function. This variant has not been reported in the literature in individuals affected with TNNI3K-related conditions. This variant is present in population databases (no rsID available, gnomAD 0.004%). This sequence change replaces glycine, which is neutral and non-polar, with serine, which is neutral and polar, at codon 223 of the TNNI3K protein (p.Gly223Ser).